The following is an entry in ClinVar:

NM_024577.4(SH3TC2):c.*6392C>A

Gene: SH3TC2 (SH3 domain and tetratricopeptide repeats 2; minus strand). Cytogenetic location: 5q32.
Variant type: single nucleotide variant.
Coding change: c.*6392C>A on transcript NM_024577.4 (MANE Select); 6392 bases downstream of the stop codon, C replaced by A.
Molecular consequence: 3 prime UTR variant.
Genome position (GRCh38, 1-based): chr5:148,998,319, G>T on the plus strand (C>A on the coding strand, the complement: SH3TC2 is on the minus strand). VCF-style: chr5-148998319-G-T. GRCh37 (hg19) VCF-style: chr5-148377882-G-T.
Identifiers: ClinVar variation 351790 (VCV000351790.5), dbSNP rs114817736, ClinGen allele CA10620679.

ClinVar aggregate classification (germline): Conflicting classifications of pathogenicity. Review status: criteria provided, conflicting classifications (1 of 4 stars). 2 submissions from 1 submitter: Uncertain significance (1); Likely benign (1). Last evaluated 2018-01-13.

Conditions:
Susceptibility to mononeuropathy of the median nerve, mild. Also called: CARPAL TUNNEL SYNDROME, SUSCEPTIBILITY TO. Identifiers: MedGen C3150596, MONDO:0013237, OMIM 613353.
Charcot-Marie-Tooth disease type 4C (CMT4C). Also called: CHARCOT-MARIE-TOOTH DISEASE, DEMYELINATING, AUTOSOMAL RECESSIVE, TYPE 4C; CMT 4C; Charcot-Marie-Tooth Neuropathy Type 4C (CMT4C); CHARCOT-MARIE-TOOTH DISEASE, DEMYELINATING, TYPE 4C; SH3TC2-Related Hereditary Motor and Sensory Neuropathy. Identifiers: Orphanet 99949, MedGen C1866636, MONDO:0011113, OMIM 601596.

Allele frequency attached by ClinVar (database versions not stated): TOPMed 0.00013; 1000 Genomes Project 0.00120; 1000 Genomes Project 30x 0.00125.
gnomAD v4.1: 15 of 152,242 alleles (0.0099%); highest among the groups gnomAD compares: East Asian, 0.25%; no homozygotes.

Submissions (2):

Illumina Laboratory Services, Illumina
Classification: Likely benign for Susceptibility to mononeuropathy of the median nerve, mild. Last evaluated: 2018-01-13. Review status: criteria provided, single submitter. Criteria: ICSL Variant Classification Criteria 13 December 2019. Collection method: clinical testing. Allele origin: germline.
Comment: This variant was observed in the ICSL laboratory as part of a predisposition screen in an ostensibly healthy population. It had not been previously curated by ICSL or reported in the Human Gene Mutation Database (HGMD: prior to June 1st, 2018), and was therefore a candidate for classification through an automated scoring system. Utilizing variant allele frequency, disease prevalence and penetrance estimates, and inheritance mode, an automated score was calculated to assess if this variant is too frequent to cause the disease. Based on the score and internal cut-off values, a variant classified as likely benign is not then subjected to further curation. The score for this variant resulted in a classification of likely benign for this disease.

Illumina Laboratory Services, Illumina
Classification: Uncertain significance for Charcot-Marie-Tooth disease type 4C. Last evaluated: 2018-01-13. Review status: criteria provided, single submitter. Criteria: ICSL Variant Classification Criteria 13 December 2019. Collection method: clinical testing. Allele origin: germline.